The following is an entry in ClinVar:

NM_000143.4(FH):c.605A>G (p.Glu202Gly)

Gene: FH (fumarate hydratase; minus strand). Cytogenetic location: 1q43.
Variant type: single nucleotide variant.
Coding change: c.605A>G on transcript NM_000143.4 (MANE Select); coding-DNA position 605, A replaced by G.
Protein change: p.Glu202Gly; replaces glutamic acid 202 with glycine.
Molecular consequence: missense variant.
Genome position (GRCh38, 1-based): chr1:241,508,736, T>C on the plus strand (A>G on the coding strand, the complement: FH is on the minus strand). VCF-style: chr1-241508736-T-C. GRCh37 (hg19) VCF-style: chr1-241672036-T-C.
Other names: short protein forms E202G.
Identifiers: ClinVar variation 5021713 (VCV005021713.1).
Genomic context (GRCh38, chr1:241,508,736, plus strand): 5'-GATTTTGCATCAAGAGCATCATGTAACTTCTGTAGTCCTGGTAACAGTACTTCATGAACT[T>C]CTATTGCAGCAGCAATGTGCATTGCTGTGGGAAAAGTATCATTTGAGCTCTGTTGGAAAT-3'
Protein context (NP_000134.2, residues 192-212): PTAMHIAAAI[Glu202Gly]VHEVLLPGLQ

ClinVar aggregate classification (germline): Uncertain significance (1 of 4 stars; one submission).

Conditions:
Hereditary cancer-predisposing syndrome. Also called: Neoplastic Syndromes, Hereditary; Tumor predisposition; Hereditary neoplastic syndrome; Hereditary Cancer Syndrome. Identifiers: Orphanet 140162, MedGen C0027672, MeSH D009386, MONDO:0015356.

Submission:

Ambry Genetics
Classification: Uncertain significance for Hereditary cancer-predisposing syndrome. Last evaluated: 2026-06-16. Review status: criteria provided, single submitter. Criteria: Ambry Variant Classification Scheme 2023. Collection method: clinical testing. Allele origin: germline.
Comment: The p.E202G variant (also known as c.605A>G), located in coding exon 5 of the FH gene, results from an A to G substitution at nucleotide position 605. The glutamic acid at codon 202 is replaced by glycine, an amino acid with similar properties. This amino acid position is conserved. In addition, this alteration is predicted to be deleterious by in silico analysis. Based on the available evidence, the clinical significance of this variant remains unclear.